The following is an entry in ClinVar:

ClinVar aggregate classification (germline): Pathogenic (1 of 4 stars; one submission).

Submission:

Labcorp Genetics (formerly Invitae), Labcorp
Classification: Pathogenic. Last evaluated: 2022-11-02. Review status: criteria provided, single submitter. Criteria: Invitae Variant Classification Sherloc (09022015). Collection method: clinical testing. Allele origin: germline.
Comment: This variant has not been reported in the literature in individuals affected with CACNA1B-related conditions. This variant is not present in population databases (gnomAD no frequency). This sequence change creates a premature translational stop signal (p.Trp316*) in the CACNA1B gene. It is expected to result in an absent or disrupted protein product. Loss-of-function variants in CACNA1B are known to be pathogenic (PMID: 30982612). For these reasons, this variant has been classified as Pathogenic.

Literature cited by the submitters: PubMed 30982612.

NM_000718.4(CACNA1B):c.947G>A (p.Trp316Ter)

Gene: CACNA1B (calcium voltage-gated channel subunit alpha1 B; plus strand). Cytogenetic location: 9q34.3.
Variant type: single nucleotide variant.
Coding change: c.947G>A on transcript NM_000718.4 (MANE Select); coding-DNA position 947, G replaced by A.
Protein change: p.Trp316Ter; replaces tryptophan 316 with a stop codon.
Molecular consequence: nonsense.
Genome position (GRCh38, 1-based): chr9:137,917,412, G>A. VCF-style: chr9-137917412-G-A. GRCh37 (hg19) VCF-style: chr9-140811864-G-A.
Other names: c.947G>A, p.Trp316Ter (NM_001243812.2); short protein forms W316*.
Identifiers: ClinVar variation 2811501 (VCV002811501.3), dbSNP rs2539149383, ClinGen allele CA375805533.
Genomic context (GRCh38, chr9:137,917,412, plus strand): 5'-ACTTTGACAATATCCTGTTTGCCATCTTGACGGTGTTCCAGTGCATCACCATGGAGGGCT[G>A]GACTGACATCCTCTATAATGTGAGTGGCGTCTTGGCCCTGGGCCTGAGGGCAGGCCCTGG-3'